The following is an entry in ClinVar:

ClinVar aggregate classification (germline): Uncertain significance. Review status: criteria provided, multiple submitters, no conflicts (2 of 4 stars). 3 submissions from 3 submitters: Uncertain significance (2). 1 of the submissions does not count toward it. Last evaluated 2026-09-09.

Conditions:
Cohen syndrome (COH1). Also called: PEPPER SYNDROME; Cutis verticis gyrata, retinitis pigmentosa, and sensorineural deafness. Identifiers: Orphanet 193, MedGen C0265223, MONDO:0008999, OMIM 216550.
VPS13B-related disorder. Also called: VPS13B-related condition.

Allele frequency attached by ClinVar (database versions not stated): gnomAD exomes 0.00001 and 0.00002; TOPMed 0.00001.
gnomAD v4.1: 30 of 1,614,068 alleles (0.0019%); highest among the groups gnomAD compares: Non-Finnish European, 0.0025%; no homozygotes.

Submissions (3):

PreventionGenetics, part of Exact Sciences
Classification: Uncertain significance for VPS13B-related condition. Last evaluated: 2026-09-09. Review status: criteria provided, single submitter. Criteria: ACMG Guidelines, 2015. Collection method: clinical testing. Allele origin: germline.
Comment: The VPS13B c.19A>T variant is predicted to result in the amino acid substitution p.Thr7Ser. To our knowledge, this variant has not been reported in the literature. This variant is reported in 0.0026% of alleles in individuals of European (Non-Finnish) descent in gnomAD. At this time, the clinical significance of this variant is uncertain due to the absence of conclusive functional and genetic evidence.

Labcorp Genetics (formerly Invitae), Labcorp
Classification: Uncertain significance for Cohen syndrome. Last evaluated: 2021-12-01. Review status: criteria provided, single submitter. Criteria: Invitae Variant Classification Sherloc (09022015). Collection method: clinical testing. Allele origin: germline.
Comment: This sequence change replaces threonine, which is neutral and polar, with serine, which is neutral and polar, at codon 7 of the VPS13B protein (p.Thr7Ser). This variant is present in population databases (no rsID available, gnomAD 0.003%). This variant has not been reported in the literature in individuals affected with VPS13B-related conditions. ClinVar contains an entry for this variant (Variation ID: 969707). Algorithms developed to predict the effect of missense changes on protein structure and function are either unavailable or do not agree on the potential impact of this missense change (SIFT: "Not Available"; PolyPhen-2: "Possibly Damaging"; Align-GVGD: "Not Available"). In summary, the available evidence is currently insufficient to determine the role of this variant in disease. Therefore, it has been classified as a Variant of Uncertain Significance.

Natera, Inc.
Classification: Uncertain significance for Cohen syndrome. Last evaluated: 2020-04-15. Review status: no assertion criteria provided. Collection method: clinical testing. Allele origin: germline. Not counted in ClinVar's aggregate classification.

NM_152564.5(VPS13B):c.19A>T (p.Thr7Ser)

Gene: VPS13B (vacuolar protein sorting 13 homolog B; plus strand). Cytogenetic location: 8q22.2.
Variant type: single nucleotide variant.
Coding change: c.19A>T on transcript NM_152564.5 (MANE Select); coding-DNA position 19, A replaced by T.
Protein change: p.Thr7Ser; replaces threonine 7 with serine.
Molecular consequence: missense variant. On other transcripts: non-coding transcript variant (1).
Genome position (GRCh38, 1-based): chr8:99,013,807, A>T. VCF-style: chr8-99013807-A-T. GRCh37 (hg19) VCF-style: chr8-100026035-A-T.
Other names: c.19A>T, p.Thr7Ser (NM_015243.3, NM_017890.5, NM_181661.3); c.19A>T (NM_152564.4); short protein forms T7S.
Identifiers: ClinVar variation 969707 (VCV000969707.9), dbSNP rs1413120643, ClinGen allele CA371856017.